The following is an entry in ClinVar:

ClinVar aggregate classification (germline): Likely benign. Review status: criteria provided, single submitter (1 of 4 stars). 2 submissions from 2 submitters: Likely benign (1). 1 of the submissions does not count toward it. Last evaluated 2023-09-21.

Conditions:
ARHGEF18-related disorder. Also called: ARHGEF18-related condition.

Allele frequency attached by ClinVar (database versions not stated): gnomAD exomes 0.00001; ExAC 0.00002; gnomAD 0.00002; TOPMed 0.00003; ESP Exome Variant Server 0.00008; 1000 Genomes Project 30x 0.00016; 1000 Genomes Project 0.00020.
gnomAD v4.1: 25 of 1,613,654 alleles (0.0015%); highest among the groups gnomAD compares: Middle Eastern, 0.016%; no homozygotes.

Submissions (2):

Labcorp Genetics (formerly Invitae), Labcorp
Classification: Likely benign. Last evaluated: 2023-09-21. Review status: criteria provided, single submitter. Criteria: Invitae Variant Classification Sherloc (09022015). Collection method: clinical testing. Allele origin: germline.

PreventionGenetics, part of Exact Sciences
Classification: Likely benign for ARHGEF18-related condition. Last evaluated: 2019-08-15. Review status: no assertion criteria provided. Collection method: clinical testing. Allele origin: germline. Not counted in ClinVar's aggregate classification.
Comment: This variant is classified as likely benign based on ACMG/AMP sequence variant interpretation guidelines (Richards et al. 2015 PMID: 25741868, with internal and published modifications).

NM_001367823.1(ARHGEF18):c.1518C>T (p.Leu506=)

Gene: ARHGEF18 (Rho/Rac guanine nucleotide exchange factor 18; plus strand). Cytogenetic location: 19p13.2.
Variant type: single nucleotide variant.
Coding change: c.1518C>T on transcript NM_001367823.1 (MANE Select); coding-DNA position 1518, C replaced by T.
Protein change: p.Leu506=; no amino-acid change (leucine 506 retained).
Molecular consequence: synonymous variant.
Genome position (GRCh38, 1-based): chr19:7,444,361, C>T. VCF-style: chr19-7444361-C-T. GRCh37 (hg19) VCF-style: chr19-7509247-C-T.
Other names: c.954C>T (NM_001130955.1); c.792C>T, p.Leu264= (NM_001130955.2); c.480C>T, p.Leu160= (NM_001367824.1, NM_015318.4).
Identifiers: ClinVar variation 2957366 (VCV002957366.5), dbSNP rs372159388, ClinGen allele CA9136489.